The following is an entry in ClinVar:

ClinVar aggregate classification (germline): Uncertain significance (1 of 4 stars; one submission).

gnomAD v4.1: 2 of 1,614,030 alleles (0.00012%); highest among the groups gnomAD compares: Non-Finnish European, 0.00017%; no homozygotes.

Submission:

GeneDx
Classification: Uncertain significance. Last evaluated: 2024-12-26. Review status: criteria provided, single submitter. Criteria: GeneDx Variant Classification Process June 2021. Collection method: clinical testing. Allele origin: germline. Affected: yes.
Comment: Not observed at significant frequency in large population cohorts (gnomAD); In silico analysis indicates that this missense variant does not alter protein structure/function; Has not been previously published as pathogenic or benign to our knowledge

NM_001197104.2(KMT2A):c.1294G>A (p.Glu432Lys)

Gene: KMT2A (lysine methyltransferase 2A; plus strand). Cytogenetic location: 11q23.3.
Variant type: single nucleotide variant.
Coding change: c.1294G>A on transcript NM_001197104.2 (MANE Select); coding-DNA position 1294, G replaced by A.
Protein change: p.Glu432Lys; replaces glutamic acid 432 with lysine.
Molecular consequence: missense variant.
Genome position (GRCh38, 1-based): chr11:118,472,453, G>A. VCF-style: chr11-118472453-G-A. GRCh37 (hg19) VCF-style: chr11-118343168-G-A.
Other names: c.1393G>A, p.Glu465Lys (NM_001412597.1); c.1294G>A, p.Glu432Lys (NM_005933.4); short protein forms E432K, E465K.
Identifiers: ClinVar variation 4055865 (VCV004055865.1).
Genomic context (GRCh38, chr11:118,472,453, plus strand): 5'-CCTGTTGTCAGTGCTATCTCCTCGCGGATCATTAAGACCCCTCGGCGGTTTATAGAGGAT[G>A]AGGATTATGACCCTCCAATTAAAATTGCCCGATTAGAGTCTACACCGAATAGTAGATTCA-3'
Protein context (NP_001184033.1, residues 422-442): IKTPRRFIED[Glu432Lys]DYDPPIKIAR